The following is an entry in ClinVar:

NM_138713.4(NFAT5):c.325A>G (p.Thr109Ala)

Gene: NFAT5 (nuclear factor of activated T cells 5; plus strand). Cytogenetic location: 16q22.1.
Variant type: single nucleotide variant.
Coding change: c.325A>G on transcript NM_138713.4 (MANE Select); coding-DNA position 325, A replaced by G.
Protein change: p.Thr109Ala; replaces threonine 109 with alanine.
Molecular consequence: missense variant. On other transcripts: synonymous variant (1).
Genome position (GRCh38, 1-based): chr16:69,647,099, A>G. VCF-style: chr16-69647099-A-G. GRCh37 (hg19) VCF-style: chr16-69681002-A-G.
Other names: c.325A>G, p.Thr109Ala (NM_001113178.3); c.72A>G, p.Leu24= (NM_001367709.1); c.271A>G, p.Thr91Ala (NM_006599.4); c.43A>G, p.Thr15Ala (NM_138714.4, NM_173214.3, NM_173215.3); short protein forms T109A, T15A, T91A.
Identifiers: ClinVar variation 1948500 (VCV001948500.7), dbSNP rs2035467918, ClinGen allele CA396483326.

ClinVar aggregate classification (germline): Uncertain significance. Review status: criteria provided, multiple submitters, no conflicts (2 of 4 stars). 2 submissions from 2 submitters: Uncertain significance (2). Last evaluated 2025-10-11.

Conditions:
Immunodeficiency. Identifiers: MedGen C0021051, MONDO:0021094, HP:0002721.

Allele frequency attached by ClinVar (database versions not stated): TOPMed below 0.00001.
gnomAD v4.1: 3 of 1,612,952 alleles (0.00019%); highest among the groups gnomAD compares: Non-Finnish European, 0.00025%; no homozygotes.

Submissions (2):

Labcorp Genetics (formerly Invitae), Labcorp
Classification: Uncertain significance for Immunodeficiency. Last evaluated: 2025-10-11. Review status: criteria provided, single submitter. Criteria: Invitae Variant Classification Sherloc (09022015). Collection method: clinical testing. Allele origin: germline.
Comment: This sequence change replaces threonine, which is neutral and polar, with alanine, which is neutral and non-polar, at codon 15 of the NFAT5 protein (p.Thr15Ala). This variant is not present in population databases (gnomAD no frequency). This variant has not been reported in the literature in individuals affected with NFAT5-related conditions. ClinVar contains an entry for this variant (Variation ID: 1948500). An algorithm developed to predict the effect of missense changes on protein structure and function (PolyPhen-2) suggests that this variant is likely to be disruptive. In summary, the available evidence is currently insufficient to determine the role of this variant in disease. Therefore, it has been classified as a Variant of Uncertain Significance.

Ambry Genetics
Classification: Uncertain significance. Last evaluated: 2024-10-25. Review status: criteria provided, single submitter. Criteria: Ambry Variant Classification Scheme 2023. Collection method: clinical testing. Allele origin: germline.